The following is an entry in ClinVar:

NM_000384.3(APOB):c.2723A>G (p.Glu908Gly)

Gene: APOB (apolipoprotein B; minus strand). Cytogenetic location: 2p24.1.
Variant type: single nucleotide variant.
Coding change: c.2723A>G on transcript NM_000384.3 (MANE Select); coding-DNA position 2723, A replaced by G.
Protein change: p.Glu908Gly; replaces glutamic acid 908 with glycine.
Molecular consequence: missense variant.
Genome position (GRCh38, 1-based): chr2:21,022,924, T>C on the plus strand (A>G on the coding strand, the complement: APOB is on the minus strand). VCF-style: chr2-21022924-T-C. GRCh37 (hg19) VCF-style: chr2-21245796-T-C.
Other names: short protein forms E908G.
Identifiers: ClinVar variation 925678 (VCV000925678.6), dbSNP rs1459816013, ClinGen allele CA346010659.

ClinVar aggregate classification (germline): Conflicting classifications of pathogenicity. Review status: criteria provided, conflicting classifications (1 of 4 stars). 2 submissions from 2 submitters: Uncertain significance (1); Likely benign (1). Last evaluated 2024-07-03.

Conditions:
Cardiovascular phenotype. Identifiers: MedGen CN230736.
Familial hypobetalipoproteinemia 1. Also called: Hypobetalipoproteinemia, normotriglyceridemic; Acanthocytosis with hypobetalipoproteinemia; APOB-Related Familial Hypobetalipoproteinemia. Identifiers: MedGen C4551990, MONDO:0014252, OMIM 615558.
Hypercholesterolemia, autosomal dominant, type B (FHCL2). Also called: Familial Hypercholesterolemia Type B; HYPERCHOLESTEROLEMIA, FAMILIAL, DUE TO LIGAND-DEFECTIVE APOLIPOPROTEIN B; Familial hypercholesterolemia 2; APOB-Related Familial Hypercholesterolemia, Autosomal Dominant; APOLIPOPROTEIN B-100, FAMILIAL DEFECTIVE; APOLIPOPROTEIN B-100, FAMILIAL LIGAND-DEFECTIVE. Identifiers: MedGen C1704417, MONDO:0007751, OMIM 144010.

Allele frequency attached by ClinVar (database versions not stated): gnomAD 0.00001; gnomAD exomes 0.00001; TOPMed 0.00001.
gnomAD v4.1: 16 of 1,614,050 alleles (0.00099%); highest among the groups gnomAD compares: Non-Finnish European, 0.0014%; no homozygotes.

Submissions (2):

Labcorp Genetics (formerly Invitae), Labcorp
Classification: Likely benign for Familial hypobetalipoproteinemia 1; Hypercholesterolemia, autosomal dominant, type B. Last evaluated: 2024-07-03. Review status: criteria provided, single submitter. Criteria: Invitae Variant Classification Sherloc (09022015). Collection method: clinical testing. Allele origin: germline.

Ambry Genetics
Classification: Uncertain significance for Cardiovascular phenotype. Last evaluated: 2022-03-07. Review status: criteria provided, single submitter. Criteria: Ambry Variant Classification Scheme 2023. Collection method: clinical testing. Allele origin: germline.
Comment: The p.E908G variant (also known as c.2723A>G), located in coding exon 18 of the APOB gene, results from an A to G substitution at nucleotide position 2723. The glutamic acid at codon 908 is replaced by glycine, an amino acid with similar properties. This amino acid position is conserved. In addition, this alteration is predicted to be tolerated by in silico analysis. Since supporting evidence is limited at this time, the clinical significance of this alteration remains unclear.